The following is an entry in ClinVar:

ClinVar aggregate classification (germline): not provided (0 of 4 stars; one submission).

Allele frequency attached by ClinVar (database versions not stated): gnomAD exomes below 0.00001; ExAC 0.00001.

Submissions (2):

Cardiovascular Biomedical Research Unit, Royal Brompton & Harefield NHS Foundation Trust
No classification provided. Review status: no classification provided. Collection method: literature only. Allele origin: germline.
Comment: This variant has been reported in the following publications (PMID:10428953).

Roden Lab, Vanderbilt University Medical Center
No classification provided (evidence only). Condition: Long QT syndrome 5. Review status: no classification provided. Collection method: in vitro. Allele origin: not applicable. Functional consequence: Effect on ion channel function. Not counted in ClinVar's aggregate classification.
ClinVar note: "not provided" was previously submitted as the classification for the variant. However, the classification appeared to be based only on an observation of functional data so it was converted to no classification on 2025-07-30.

Literature cited by the submitters: PubMed 10428953 (cited by Cardiovascular Biomedical Research Unit, Royal Brompton & Harefield NHS Foundation Trust); PubMed 22581653 (cited by Cardiovascular Biomedical Research Unit, Royal Brompton & Harefield NHS Foundation Trust).

NM_000219.6(KCNE1):c.235A>G (p.Asn79Asp)

Gene: KCNE1 (potassium voltage-gated channel subfamily E regulatory subunit 1; minus strand). Cytogenetic location: 21q22.12.
Variant type: single nucleotide variant.
Coding change: c.235A>G on transcript NM_000219.6 (MANE Select); coding-DNA position 235, A replaced by G.
Protein change: p.Asn79Asp; replaces asparagine 79 with aspartic acid.
Molecular consequence: missense variant.
Genome position (GRCh38, 1-based): chr21:34,449,400, T>C on the plus strand (A>G on the coding strand, the complement: KCNE1 is on the minus strand). VCF-style: chr21-34449400-T-C. GRCh37 (hg19) VCF-style: chr21-35821698-T-C.
Other names: c.235A>G, p.Asn79Asp (NM_001127668.4, NM_001127669.4, NM_001127670.4 and 4 more transcripts); c.235A>G (LRG_290t1); short protein forms N79D.
Identifiers: ClinVar variation 132669 (VCV000132669.3), dbSNP rs199473358, ClinGen allele CA231712.